The following is an entry in ClinVar:

ClinVar aggregate classification (germline): Uncertain significance (1 of 4 stars; one submission).

Submission:

GeneDx
Classification: Uncertain significance. Last evaluated: 2024-01-10. Review status: criteria provided, single submitter. Criteria: GeneDx Variant Classification Process June 2021. Collection method: clinical testing. Allele origin: germline. Affected: yes.
Comment: Not observed at significant frequency in large population cohorts (gnomAD); In silico analysis supports that this missense variant has a deleterious effect on protein structure/function; Has not been previously published as pathogenic or benign to our knowledge

NM_003047.5(SLC9A1):c.392A>C (p.Glu131Ala)

Gene: SLC9A1 (solute carrier family 9 member A1; minus strand). Cytogenetic location: 1p36.11.
Variant type: single nucleotide variant.
Coding change: c.392A>C on transcript NM_003047.5 (MANE Select); coding-DNA position 392, A replaced by C.
Protein change: p.Glu131Ala; replaces glutamic acid 131 with alanine.
Molecular consequence: missense variant.
Genome position (GRCh38, 1-based): chr1:27,114,247, T>G on the plus strand (A>C on the coding strand, the complement: SLC9A1 is on the minus strand). VCF-style: chr1-27114247-T-G. GRCh37 (hg19) VCF-style: chr1-27440738-T-G.
Other names: short protein forms E131A.
Identifiers: ClinVar variation 3367789 (VCV003367789.1).